The following is an entry in ClinVar:

ClinVar aggregate classification (germline): Conflicting classifications of pathogenicity. Review status: criteria provided, conflicting classifications (1 of 4 stars). 14 submissions from 13 submitters: Uncertain significance (9); Benign (1); Likely benign (1). 3 of the submissions do not count toward it. Last evaluated 2025-05-23.

Conditions:
SYNE1-related disorder. Also called: SYNE1-related disorders; SYNE1-related disease; SYNE1-related condition.
Inborn genetic diseases. Identifiers: MedGen C0950123, MeSH D030342.
Autosomal recessive ataxia, Beauce type. Also called: SYNE1-Related Autosomal Recessive Cerebellar Ataxia; ATAXIA, RECESSIVE, OF BEAUCE; SYNE1 Deficiency; Spinocerebellar ataxia, autosomal recessive 8. Identifiers: Orphanet 88644, MedGen C1853116, MONDO:0012549, OMIM 610743.
Emery-Dreifuss muscular dystrophy 4, autosomal dominant (EDMD4). Also called: EMERY-DREIFUSS MUSCULAR DYSTROPHY 4 WITH VARIABLE FEATURES. Identifiers: Orphanet 261, MedGen C2751807, MONDO:0013071, OMIM 612998.

Allele frequency attached by ClinVar (database versions not stated): 1000 Genomes Project 0.00020; 1000 Genomes Project 30x 0.00031; TOPMed 0.00037; gnomAD 0.00041 and 0.00042; ExAC 0.00046; gnomAD exomes 0.00054 and 0.00062; ESP Exome Variant Server 0.00062.
gnomAD v4.1: 956 of 1,614,184 alleles (0.059%); highest among the groups gnomAD compares: Non-Finnish European, 0.073%; no homozygotes.

Submissions (14):

Women's Health and Genetics/Laboratory Corporation of America, LabCorp
Classification: Uncertain significance. Last evaluated: 2025-05-23. Review status: criteria provided, single submitter. Criteria: LabCorp Variant Classification Summary - May 2015. Collection method: clinical testing. Allele origin: germline.
Comment: Variant summary: SYNE1 c.25607A>C (p.Asp8536Ala) results in a non-conservative amino acid change in the encoded protein sequence. Algorithms developed to predict the effect of missense changes on protein structure and function are either unavailable or do not agree on the potential impact of this missense change. The variant allele was found at a frequency of 0.00054 in 251444 control chromosomes. This frequency is not significantly higher than estimated for a pathogenic variant in SYNE1 causing SYNE1-Related Disorders, allowing no conclusion about variant significance. To our knowledge, no occurrence of c.25607A>C in individuals affected with SYNE1-Related Disorders and no experimental evidence demonstrating its impact on protein function have been reported. ClinVar contains an entry for this variant (Variation ID: 194451). Based on the evidence outlined above, the variant was classified as uncertain significance.

Mayo Clinic Laboratories, Mayo Clinic
Classification: Uncertain significance. Last evaluated: 2025-05-20. Review status: criteria provided, single submitter. Criteria: ACMG Guidelines, 2015. Collection method: clinical testing. Allele origin: germline. Observed: 1 variant allele.

GeneDx
Classification: Uncertain significance. Last evaluated: 2024-12-04. Review status: criteria provided, single submitter. Criteria: GeneDx Variant Classification Process June 2021. Collection method: clinical testing. Allele origin: germline. Affected: yes.
Comment: Reported previously with a variant on the opposite allele (in trans) in a patient with Rapid-onset Obesity with Hypothalamic Dysfunction, Hypoventilation, and Autonomic Dysregulation (ROHHAD) in published literature; however, the patient also was compound heterozygous for two variants in another gene that may have been responsible for the phenotype (PMID: 26302956); In silico analysis supports that this missense variant has a deleterious effect on protein structure/function; This variant is associated with the following publications: (PMID: 26302956)

CeGaT Center for Human Genetics Tuebingen
Classification: Likely benign. Last evaluated: 2023-09-01. Review status: criteria provided, single submitter. Criteria: CeGaT Center For Human Genetics Tuebingen Variant Classification Criteria Version 2. Collection method: clinical testing. Allele origin: germline. Affected: yes. Observed: 3 variant alleles.
Comment: SYNE1: BP1, BP4

Athena Diagnostics
Classification: Uncertain significance. Last evaluated: 2023-03-02. Review status: criteria provided, single submitter. Criteria: Athena Diagnostics Criteria. Collection method: clinical testing. Allele origin: unknown.
Comment: Available data are insufficient to determine the clinical significance of the variant at this time. The frequency of this variant in the general population is higher than would generally be expected for pathogenic variants in this gene. Computational tools disagree on the variant's effect on normal protein function.

Labcorp Genetics (formerly Invitae), Labcorp
Classification: Uncertain significance for Emery-Dreifuss muscular dystrophy 4, autosomal dominant; Autosomal recessive ataxia, Beauce type. Last evaluated: 2022-10-18. Review status: criteria provided, single submitter. Criteria: Invitae Variant Classification Sherloc (09022015). Collection method: clinical testing. Allele origin: germline.
Comment: This sequence change replaces aspartic acid, which is acidic and polar, with alanine, which is neutral and non-polar, at codon 8536 of the SYNE1 protein (p.Asp8536Ala). This variant is present in population databases (rs41291047, gnomAD 0.09%), and has an allele count higher than expected for a pathogenic variant. This variant has not been reported in the literature in individuals affected with SYNE1-related conditions. ClinVar contains an entry for this variant (Variation ID: 194451). Algorithms developed to predict the effect of missense changes on protein structure and function are either unavailable or do not agree on the potential impact of this missense change (SIFT: "Deleterious"; PolyPhen-2: "Probably Damaging"; Align-GVGD: "Class C0"). In summary, the available evidence is currently insufficient to determine the role of this variant in disease. Therefore, it has been classified as a Variant of Uncertain Significance.

Ambry Genetics
Classification: Uncertain significance for Inborn genetic diseases. Last evaluated: 2021-08-13. Review status: criteria provided, single submitter. Criteria: Ambry Variant Classification Scheme 2023. Collection method: clinical testing. Allele origin: germline.
Comment: The c.25607A>C (p.D8536A) alteration is located in exon 142 (coding exon 141) of the SYNE1 gene. This alteration results from an A to C substitution at nucleotide position 25607, causing the aspartic acid (D) at amino acid position 8536 to be replaced by an alanine (A). Based on data from gnomAD, the C allele has an overall frequency of 0.05% (152/282854) total alleles studied. The highest observed frequency was 0.09% (117/129158) of European (non-Finnish) alleles. This amino acid position is highly conserved in available vertebrate species. The in silico prediction for this alteration is inconclusive. Based on insufficient or conflicting evidence, the clinical significance of this alteration remains unclear.

Eurofins Ntd Llc (ga)
Classification: Uncertain significance. Last evaluated: 2018-07-10. Review status: criteria provided, single submitter. Criteria: EGL ClinVar v180209 classification definitions. Collection method: clinical testing. Allele origin: germline. Observed: 10 variant alleles, 10 heterozygotes.

Illumina Laboratory Services, Illumina
Classification: Benign for Emery-Dreifuss muscular dystrophy 4, autosomal dominant. Last evaluated: 2018-01-12. Review status: criteria provided, single submitter. Criteria: ICSL Variant Classification Criteria 13 December 2019. Collection method: clinical testing. Allele origin: germline.
Comment: This variant was observed in the ICSL laboratory as part of a predisposition screen in an ostensibly healthy population. It had not been previously curated by ICSL or reported in the Human Gene Mutation Database (HGMD: prior to June 1st, 2018), and was therefore a candidate for classification through an automated scoring system. Utilizing variant allele frequency, disease prevalence and penetrance estimates, and inheritance mode, an automated score was calculated to assess if this variant is too frequent to cause the disease. Based on the score and internal cut-off values, a variant classified as benign is not then subjected to further curation. The score for this variant resulted in a classification of benign for this disease.

Illumina Laboratory Services, Illumina
Classification: Uncertain significance for Autosomal recessive ataxia, Beauce type. Last evaluated: 2018-01-12. Review status: criteria provided, single submitter. Criteria: ICSL Variant Classification Criteria 13 December 2019. Collection method: clinical testing. Allele origin: germline.

Genomic Research Center, Shahid Beheshti University of Medical Sciences
Classification: Uncertain significance for Autosomal recessive ataxia, Beauce type. Last evaluated: 2017-12-03. Review status: criteria provided, single submitter. Criteria: ACMG Guidelines, 2015. Collection method: clinical testing. Allele origin: inherited.

Clinical Genetics DNA and cytogenetics Diagnostics Lab, Erasmus MC, Erasmus Medical Center
Classification: Uncertain significance. Review status: no assertion criteria provided. Collection method: clinical testing. Allele origin: germline. Affected: yes. Study: VKGL Data-share Consensus. Not counted in ClinVar's aggregate classification.

Diagnostic Laboratory, Department of Genetics, University Medical Center Groningen
Classification: Uncertain significance. Review status: no assertion criteria provided. Collection method: clinical testing. Allele origin: germline. Affected: yes. Study: VKGL Data-share Consensus. Not counted in ClinVar's aggregate classification.

Joint Genome Diagnostic Labs from Nijmegen and Maastricht, Radboudumc and MUMC+
Classification: Uncertain significance. Review status: no assertion criteria provided. Collection method: clinical testing. Allele origin: germline. Affected: yes. Study: VKGL Data-share Consensus. Not counted in ClinVar's aggregate classification.

Literature cited by the submitters: PubMed 26302956 (cited by Mayo Clinic Laboratories, Mayo Clinic and Athena Diagnostics).

NM_182961.4(SYNE1):c.25751A>C (p.Asp8584Ala)

Gene: SYNE1 (spectrin repeat containing nuclear envelope protein 1; minus strand). Cytogenetic location: 6q25.2.
Variant type: single nucleotide variant.
Coding change: c.25751A>C on transcript NM_182961.4 (MANE Select); coding-DNA position 25751, A replaced by C.
Protein change: p.Asp8584Ala; replaces aspartic acid 8584 with alanine.
Molecular consequence: missense variant.
Genome position (GRCh38, 1-based): chr6:152,135,141, T>G on the plus strand (A>C on the coding strand, the complement: SYNE1 is on the minus strand). VCF-style: chr6-152135141-T-G. GRCh37 (hg19) VCF-style: chr6-152456276-T-G.
Other names: p.Asp8536Ala; c.2357A>C, p.Asp786Ala (NM_001347701.2); c.2285A>C, p.Asp762Ala (NM_001347702.2); c.25607A>C, p.Asp8536Ala (NM_033071.5); short protein forms D8536A, D8584A, D762A, D786A.
Identifiers: ClinVar variation 194451 (VCV000194451.72), dbSNP rs41291047, ClinGen allele CA240413.